The following is an entry in ClinVar:

NM_006612.6(KIF1C):c.-141C>T

Gene: KIF1C (kinesin family member 1C; plus strand). Cytogenetic location: 17p13.2.
Variant type: single nucleotide variant.
Coding change: c.-141C>T on transcript NM_006612.6 (MANE Select); 141 bases upstream of the start codon, C replaced by T.
Molecular consequence: 5 prime UTR variant.
Genome position (GRCh38, 1-based): chr17:4,999,857, C>T. VCF-style: chr17-4999857-C-T. GRCh37 (hg19) VCF-style: chr17-4903152-C-T.
Identifiers: ClinVar variation 508694 (VCV000508694.1), dbSNP rs758681327, ClinGen allele CA287210963.

ClinVar aggregate classification (germline): Likely benign (1 of 4 stars; one submission).

Allele frequency attached by ClinVar (database versions not stated): gnomAD exomes 0.00006; TOPMed 0.00006.
gnomAD v4.1: 16 of 208,380 alleles (0.0077%); highest among the groups gnomAD compares: Non-Finnish European, 0.011%; no homozygotes.

Submission:

GeneDx
Classification: Likely benign. Last evaluated: 2017-04-05. Review status: criteria provided, single submitter. Criteria: GeneDx Variant Classification (06012015). Collection method: clinical testing. Allele origin: germline. Affected: yes.
Comment: This variant is considered likely benign or benign based on one or more of the following criteria: it is a conservative change, it occurs at a poorly conserved position in the protein, it is predicted to be benign by multiple in silico algorithms, and/or has population frequency not consistent with disease.